The following is an entry in ClinVar:

ClinVar aggregate classification (germline): Uncertain significance (1 of 4 stars; one submission).

Conditions:
Left ventricular noncompaction 8 (LVNC8). Identifiers: Orphanet 154, Orphanet 54260, MedGen C3809288, MONDO:0014152, OMIM 615373.

Submission:

Labcorp Genetics (formerly Invitae), Labcorp
Classification: Uncertain significance for Left ventricular noncompaction 8. Last evaluated: 2022-03-09. Review status: criteria provided, single submitter. Criteria: Invitae Variant Classification Sherloc (09022015). Collection method: clinical testing. Allele origin: germline.
Comment: This variant has not been reported in the literature in individuals affected with PRDM16-related conditions. This variant is not present in population databases (gnomAD no frequency). This sequence change creates a premature translational stop signal (p.Gln897*) in the PRDM16 gene. It is expected to result in an absent or disrupted protein product. However, the current clinical and genetic evidence is not sufficient to establish whether loss-of-function variants in PRDM16 cause disease. ClinVar contains an entry for this variant (Variation ID: 945246). In summary, the available evidence is currently insufficient to determine the role of this variant in disease. Therefore, it has been classified as a Variant of Uncertain Significance.

NM_022114.4(PRDM16):c.2689C>T (p.Gln897Ter)

Gene: PRDM16 (PR/SET domain 16; plus strand). Cytogenetic location: 1p36.32.
Variant type: single nucleotide variant.
Coding change: c.2689C>T on transcript NM_022114.4 (MANE Select); coding-DNA position 2689, C replaced by T.
Protein change: p.Gln897Ter; replaces glutamine 897 with a stop codon.
Molecular consequence: nonsense.
Genome position (GRCh38, 1-based): chr1:3,414,645, C>T. VCF-style: chr1-3414645-C-T. GRCh37 (hg19) VCF-style: chr1-3331209-C-T.
Other names: c.2689C>T, p.Gln897Ter (NM_199454.3); short protein forms Q897*.
Identifiers: ClinVar variation 945246 (VCV000945246.7), dbSNP rs1643749630, ClinGen allele CA338001288.